The following is an entry in ClinVar:

NM_002471.4(MYH6):c.2363C>T (p.Thr788Met)

Gene: MYH6 (myosin heavy chain 6; minus strand). Cytogenetic location: 14q11.2.
Variant type: single nucleotide variant.
Coding change: c.2363C>T on transcript NM_002471.4 (MANE Select); coding-DNA position 2363, C replaced by T.
Protein change: p.Thr788Met; replaces threonine 788 with methionine.
Molecular consequence: missense variant.
Genome position (GRCh38, 1-based): chr14:23,396,350, G>A on the plus strand (C>T on the coding strand, the complement: MYH6 is on the minus strand). VCF-style: chr14-23396350-G-A. GRCh37 (hg19) VCF-style: chr14-23865559-G-A.
Other names: short protein forms T788M.
Identifiers: ClinVar variation 1409738 (VCV001409738.10), dbSNP rs746758304, ClinGen allele CA7115490.
Genomic context (GRCh38, chr14:23,396,350, plus strand): 5'-TCCACTATCTTCTTGAACTCAATGCGCATGAGCTGGCCCCGGGCTTGGGCCTGCATGCGC[G>A]TGATGATGCGGCTCAGCCTCTCATCCCGCATCTCCTCCAGCAGCCCAAGCAGCCCTGCCT-3'
Protein context (NP_002462.2, residues 778-798): MRDERLSRII[Thr788Met]RMQAQARGQL

ClinVar aggregate classification (germline): Uncertain significance. Review status: criteria provided, multiple submitters, no conflicts (2 of 4 stars). 2 submissions from 2 submitters: Uncertain significance (2). Last evaluated 2026-06-04.

Conditions:
Cardiovascular phenotype. Identifiers: MedGen CN230736.
Hypertrophic cardiomyopathy 14. Identifiers: MedGen C2750467, MONDO:0013197, OMIM 613251.

Allele frequency attached by ClinVar (database versions not stated): TOPMed 0.00002; gnomAD 0.00001.

Submissions (2):

Ambry Genetics
Classification: Uncertain significance for Cardiovascular phenotype. Last evaluated: 2026-06-04. Review status: criteria provided, single submitter. Criteria: Ambry Variant Classification Scheme 2023. Collection method: clinical testing. Allele origin: germline.

Labcorp Genetics (formerly Invitae), Labcorp
Classification: Uncertain significance for Hypertrophic cardiomyopathy 14. Last evaluated: 2025-01-22. Review status: criteria provided, single submitter. Criteria: Invitae Variant Classification Sherloc (09022015). Collection method: clinical testing. Allele origin: germline.
Comment: This sequence change replaces threonine, which is neutral and polar, with methionine, which is neutral and non-polar, at codon 788 of the MYH6 protein (p.Thr788Met). This variant is present in population databases (rs746758304, gnomAD 0.01%). This variant has not been reported in the literature in individuals affected with MYH6-related conditions. ClinVar contains an entry for this variant (Variation ID: 1409738). Invitae Evidence Modeling of protein sequence and biophysical properties (such as structural, functional, and spatial information, amino acid conservation, physicochemical variation, residue mobility, and thermodynamic stability) indicates that this missense variant is expected to disrupt MYH6 protein function with a positive predictive value of 80%. In summary, the available evidence is currently insufficient to determine the role of this variant in disease. Therefore, it has been classified as a Variant of Uncertain Significance.